The following is an entry in ClinVar:

ClinVar aggregate classification (germline): Uncertain significance (1 of 4 stars; one submission).

Conditions:
Charcot-Marie-Tooth disease type 2. Also called: Charcot-Marie-Tooth type 2. Identifiers: Orphanet 64746, MedGen C0270914, MONDO:0018993.

Allele frequency attached by ClinVar (database versions not stated): gnomAD exomes 0.00001.
gnomAD v4.1: 9 of 1,614,064 alleles (0.00056%); highest among the groups gnomAD compares: East Asian, 0.0022%; no homozygotes.

Submission:

Labcorp Genetics (formerly Invitae), Labcorp
Classification: Uncertain significance for Charcot-Marie-Tooth disease type 2. Last evaluated: 2020-02-14. Review status: criteria provided, single submitter. Criteria: Invitae Variant Classification Sherloc (09022015). Collection method: clinical testing. Allele origin: germline.
Comment: This sequence change replaces lysine with methionine at codon 520 of the MED25 protein (p.Lys520Met). The lysine residue is moderately conserved and there is a moderate physicochemical difference between lysine and methionine. This variant is not present in population databases (ExAC no frequency). This variant has not been reported in the literature in individuals with MED25-related conditions. Algorithms developed to predict the effect of missense changes on protein structure and function are either unavailable or do not agree on the potential impact of this missense change (SIFT: "Deleterious"; PolyPhen-2: "Probably Damaging"; Align-GVGD: "Class C0"). In summary, the available evidence is currently insufficient to determine the role of this variant in disease. Therefore, it has been classified as a Variant of Uncertain Significance.

NM_030973.4(MED25):c.1559A>T (p.Lys520Met)

Gene: MED25 (mediator complex subunit 25; plus strand). Cytogenetic location: 19q13.33.
Variant type: single nucleotide variant.
Coding change: c.1559A>T on transcript NM_030973.4 (MANE Select); coding-DNA position 1559, A replaced by T.
Protein change: p.Lys520Met; replaces lysine 520 with methionine.
Molecular consequence: missense variant.
Genome position (GRCh38, 1-based): chr19:49,835,062, A>T. VCF-style: chr19-49835062-A-T. GRCh37 (hg19) VCF-style: chr19-50338319-A-T.
Other names: c.1559A>T, p.Lys520Met (NM_001378355.1); short protein forms K520M.
Identifiers: ClinVar variation 962131 (VCV000962131.9), dbSNP rs2074085416, ClinGen allele CA406918086.